The following is an entry in ClinVar:

NM_005876.5(SPEG):c.5866G>A (p.Glu1956Lys)

Genes: ASIC4-AS1 (ASIC4 antisense RNA 1; minus strand), SPEG (striated muscle enriched protein kinase; plus strand). Cytogenetic location: 2q35.
Variant type: single nucleotide variant.
Coding change: c.5866G>A on transcript NM_005876.5 (MANE Select); coding-DNA position 5866, G replaced by A.
Protein change: p.Glu1956Lys; replaces glutamic acid 1956 with lysine.
Molecular consequence: missense variant.
Genome position (GRCh38, 1-based): chr2:219,483,329, G>A. VCF-style: chr2-219483329-G-A. GRCh37 (hg19) VCF-style: chr2-220348051-G-A.
Other names: short protein forms E1956K.
Identifiers: ClinVar variation 2073335 (VCV002073335.2), dbSNP rs367549564, ClinGen allele CA2126963.

ClinVar aggregate classification (germline): Uncertain significance (1 of 4 stars; one submission).

Allele frequency attached by ClinVar (database versions not stated): gnomAD 0.00001; TOPMed 0.00001; gnomAD exomes 0.00002; ExAC 0.00003; ESP Exome Variant Server 0.00008.

Submission:

Labcorp Genetics (formerly Invitae), Labcorp
Classification: Uncertain significance. Last evaluated: 2025-11-02. Review status: criteria provided, single submitter. Criteria: Invitae Variant Classification Sherloc (09022015). Collection method: clinical testing. Allele origin: germline.
Comment: This sequence change replaces glutamic acid, which is acidic and polar, with lysine, which is basic and polar, at codon 1956 of the SPEG protein (p.Glu1956Lys). This variant is present in population databases (rs367549564, gnomAD 0.005%). This variant has not been reported in the literature in individuals affected with SPEG-related conditions. ClinVar contains an entry for this variant (Variation ID: 2073335). An algorithm developed to predict the effect of missense changes on protein structure and function (PolyPhen-2) suggests that this variant is likely to be tolerated. In summary, the available evidence is currently insufficient to determine the role of this variant in disease. Therefore, it has been classified as a Variant of Uncertain Significance.